The following is an entry in ClinVar:

NM_002519.3(NPAT):c.2749G>T (p.Ala917Ser)

Gene: NPAT (nuclear protein, coactivator of histone transcription; minus strand). Cytogenetic location: 11q22.3.
Variant type: single nucleotide variant.
Coding change: c.2749G>T on transcript NM_002519.3 (MANE Select); coding-DNA position 2749, G replaced by T.
Protein change: p.Ala917Ser; replaces alanine 917 with serine.
Molecular consequence: missense variant.
Genome position (GRCh38, 1-based): chr11:108,172,235, C>A on the plus strand (G>T on the coding strand, the complement: NPAT is on the minus strand). VCF-style: chr11-108172235-C-A. GRCh37 (hg19) VCF-style: chr11-108042962-C-A.
Other names: c.2749G>T, p.Ala917Ser (NM_001321307.1); short protein forms A917S.
Identifiers: ClinVar variation 2624980 (VCV002624980.2), dbSNP rs368777931, ClinGen allele CA382512318.
Genomic context (GRCh38, chr11:108,172,235, plus strand): 5'-TTTCAATTATGTTATTAAAGTTACCTTGTGAAAAGTTTGGTGACACAGCTTGGTTGACAG[C>A]AAATACACTGTTTGACCTTGGTGGTGTCTGTAACTGAGGTGGTAGAGGTTGAGCAGTCAT-3'
Protein context (NP_002510.2, residues 907-927): QTPPRSNSVF[Ala917Ser]VNQAVSPNFS

ClinVar aggregate classification (germline): Uncertain significance (1 of 4 stars; one submission).

Submission:

Ambry Genetics
Classification: Uncertain significance. Last evaluated: 2023-06-24. Review status: criteria provided, single submitter. Criteria: Ambry Variant Classification Scheme 2023. Collection method: clinical testing. Allele origin: germline.
Comment: The p.A917S variant (also known as c.2749G>T), located in coding exon 13 of the NPAT gene, results from a G to T substitution at nucleotide position 2749. The alanine at codon 917 is replaced by serine, an amino acid with similar properties. This amino acid position is conserved. In addition, this alteration is predicted to be tolerated by in silico analysis. Since supporting evidence is limited at this time, the clinical significance of this alteration remains unclear.